The following is an entry in ClinVar:

ClinVar aggregate classification (germline): Benign/Likely benign. Review status: criteria provided, multiple submitters, no conflicts (2 of 4 stars). 9 submissions from 9 submitters: Benign (7); Likely benign (1). 1 of the submissions does not count toward it. Last evaluated 2026-09-01.

Conditions:
ZEB2-related disorder. Also called: ZEB2-related condition.
Inborn genetic diseases. Identifiers: MedGen C0950123, MeSH D030342.
Mowat-Wilson syndrome (MOWS). Also called: Classic Mowat-Wilson Syndrome. Identifiers: Orphanet 2152, MedGen C1856113, MONDO:0009341, OMIM 235730.

Allele frequency attached by ClinVar (database versions not stated): ESP Exome Variant Server 0.00015; TOPMed 0.00084; 1000 Genomes Project 0.00120; 1000 Genomes Project 30x 0.00141; ExAC 0.00160; gnomAD exomes 0.00222.
gnomAD v4.1: 852 of 1,612,822 alleles (0.053%); highest among the groups gnomAD compares: Admixed American, 1.2%; 7 homozygotes.

Submissions (9):

CeGaT Center for Human Genetics Tuebingen
Classification: Likely benign. Last evaluated: 2026-09-01. Review status: criteria provided, single submitter. Criteria: CeGaT Center For Human Genetics Tuebingen Variant Classification Criteria Version 2. Collection method: clinical testing. Allele origin: germline. Affected: yes. Observed: 6 variant alleles.
Comment: ZEB2: BP4, BS1

Labcorp Genetics (formerly Invitae), Labcorp
Classification: Benign for Mowat-Wilson syndrome. Last evaluated: 2026-02-03. Review status: criteria provided, single submitter. Criteria: Invitae Variant Classification Sherloc (09022015). Collection method: clinical testing. Allele origin: germline.

Genome-Nilou Lab
Classification: Benign for Mowat-Wilson syndrome. Last evaluated: 2021-11-07. Review status: criteria provided, single submitter. Criteria: ACMG Guidelines, 2015. Collection method: clinical testing. Allele origin: germline. Affected: no.

Fulgent Genetics
Classification: Benign for Mowat-Wilson syndrome. Last evaluated: 2021-09-14. Review status: criteria provided, single submitter. Criteria: ACMG Guidelines, 2015. Collection method: clinical testing. Allele origin: unknown.

Mayo Clinic Laboratories, Mayo Clinic
Classification: Benign. Last evaluated: 2020-11-30. Review status: criteria provided, single submitter. Criteria: ACMG Guidelines, 2015. Collection method: clinical testing. Allele origin: germline. Observed: 4 variant alleles.

Ambry Genetics
Classification: Benign for Inborn genetic diseases. Last evaluated: 2016-04-08. Review status: criteria provided, single submitter. Criteria: Ambry Variant Classification Scheme 2023. Collection method: clinical testing. Allele origin: germline.

Eurofins Ntd Llc (ga)
Classification: Benign. Last evaluated: 2013-10-16. Review status: criteria provided, single submitter. Criteria: EGL Classification Definitions 2015. Collection method: clinical testing. Allele origin: germline. Observed: 1 variant allele, 1 heterozygote.

GeneDx
Classification: Benign. Last evaluated: 2013-05-20. Review status: criteria provided, single submitter. Criteria: GeneDx Variant Classification (06012015). Collection method: clinical testing. Allele origin: germline. Affected: yes.
Comment: This variant is considered likely benign or benign based on one or more of the following criteria: it is a conservative change, it occurs at a poorly conserved position in the protein, it is predicted to be benign by multiple in silico algorithms, and/or has population frequency not consistent with disease.

PreventionGenetics, part of Exact Sciences
Classification: Benign for ZEB2-related condition. Last evaluated: 2024-06-24. Review status: no assertion criteria provided. Collection method: clinical testing. Allele origin: germline. Not counted in ClinVar's aggregate classification.
Comment: This variant is classified as benign based on ACMG/AMP sequence variant interpretation guidelines (Richards et al. 2015 PMID: 25741868, with internal and published modifications).

NM_014795.4(ZEB2):c.2887-4G>A

Gene: ZEB2 (zinc finger E-box binding homeobox 2; minus strand). Cytogenetic location: 2q22.3.
Variant type: single nucleotide variant.
Coding change: c.2887-4G>A on transcript NM_014795.4 (MANE Select); 4 bases into the intron before coding-DNA position 2887, G replaced by A.
Molecular consequence: intron variant.
Genome position (GRCh38, 1-based): chr2:144,396,596, C>T on the plus strand (G>A on the coding strand, the complement: ZEB2 is on the minus strand). VCF-style: chr2-144396596-C-T. GRCh37 (hg19) VCF-style: chr2-145154163-C-T.
Other names: p.?; c.2815-4G>A (NM_001171653.2).
Identifiers: ClinVar variation 95632 (VCV000095632.32), dbSNP rs147972125, ClinGen allele CA148680.